The following is an entry in ClinVar:

ClinVar aggregate classification (germline): Benign. Review status: criteria provided, multiple submitters, no conflicts (2 of 4 stars). 9 submissions from 9 submitters: Benign (6). 3 of the submissions do not count toward it. Last evaluated 2026-02-03.

Conditions:
Hereditary sensory neuropathy-deafness-dementia syndrome. Also called: Hereditary sensory neuropathy type IE; Hereditary Sensory and Autonomic Neuropathy Type 1E (HSAN1E); HSN IE; NEUROPATHY, HEREDITARY SENSORY, WITH HEARING LOSS AND DEMENTIA. Identifiers: Orphanet 456318, MedGen C3279885, MONDO:0013584, OMIM 614116.

Allele frequency attached by ClinVar (database versions not stated): gnomAD 0.00249 and 0.00288; TOPMed 0.00259; ESP Exome Variant Server 0.00269; 1000 Genomes Project 0.00359; 1000 Genomes Project 30x 0.00359; gnomAD exomes 0.00415 and 0.00456; ExAC 0.00479.
gnomAD v4.1: 6,508 of 1,614,236 alleles (0.4%); highest among the groups gnomAD compares: South Asian, 1.7%; 42 homozygotes.

Submissions (9):

Labcorp Genetics (formerly Invitae), Labcorp
Classification: Benign for Hereditary sensory neuropathy-deafness-dementia syndrome. Last evaluated: 2026-02-03. Review status: criteria provided, single submitter. Criteria: Invitae Variant Classification Sherloc (09022015). Collection method: clinical testing. Allele origin: germline.

ARUP Laboratories, Molecular Genetics and Genomics, ARUP Laboratories
Classification: Benign. Last evaluated: 2025-04-15. Review status: criteria provided, single submitter. Criteria: ARUP Molecular Germline Variant Investigation Process 2024. Collection method: clinical testing. Allele origin: germline.

Illumina Laboratory Services, Illumina
Classification: Benign for Hereditary sensory neuropathy-deafness-dementia syndrome. Last evaluated: 2018-01-12. Review status: criteria provided, single submitter. Criteria: ICSL Variant Classification Criteria 13 December 2019. Collection method: clinical testing. Allele origin: germline.
Comment: This variant was observed in the ICSL laboratory as part of a predisposition screen in an ostensibly healthy population. It had not been previously curated by ICSL or reported in the Human Gene Mutation Database (HGMD: prior to June 1st, 2018), and was therefore a candidate for classification through an automated scoring system. Utilizing variant allele frequency, disease prevalence and penetrance estimates, and inheritance mode, an automated score was calculated to assess if this variant is too frequent to cause the disease. Based on the score and internal cut-off values, a variant classified as benign is not then subjected to further curation. The score for this variant resulted in a classification of benign for this disease.

Mayo Clinic Laboratories, Mayo Clinic
Classification: Benign. Last evaluated: 2016-10-27. Review status: criteria provided, single submitter. Criteria: ACMG Guidelines, 2015. Collection method: clinical testing. Allele origin: germline. Observed: 14 variant alleles.

GeneDx
Classification: Benign. Last evaluated: 2016-07-01. Review status: criteria provided, single submitter. Criteria: GeneDx Variant Classification (06012015). Collection method: clinical testing. Allele origin: germline. Affected: yes.
Comment: This variant is considered likely benign or benign based on one or more of the following criteria: it is a conservative change, it occurs at a poorly conserved position in the protein, it is predicted to be benign by multiple in silico algorithms, and/or has population frequency not consistent with disease.

Breakthrough Genomics
Classification: Benign. Review status: criteria provided, single submitter. Criteria: ACMG Guidelines, 2015. Collection method: not provided. Allele origin: germline. Inheritance: Autosomal dominant inheritance. Affected: yes.

Clinical Genetics, Academic Medical Center
Classification: Benign. Review status: no assertion criteria provided. Collection method: clinical testing. Allele origin: germline. Affected: yes. Study: VKGL Data-share Consensus. Not counted in ClinVar's aggregate classification.

Diagnostic Laboratory, Department of Genetics, University Medical Center Groningen
Classification: Benign. Review status: no assertion criteria provided. Collection method: clinical testing. Allele origin: germline. Affected: yes. Study: VKGL Data-share Consensus. Not counted in ClinVar's aggregate classification.

Genome Diagnostics Laboratory, University Medical Center Utrecht
Classification: Benign. Review status: no assertion criteria provided. Collection method: clinical testing. Allele origin: germline. Affected: yes. Study: VKGL Data-share Consensus. Not counted in ClinVar's aggregate classification.

NM_001130823.3(DNMT1):c.1944C>T (p.Phe648=)

Gene: DNMT1 (DNA methyltransferase 1; minus strand). Cytogenetic location: 19p13.2.
Variant type: single nucleotide variant.
Coding change: c.1944C>T on transcript NM_001130823.3 (MANE Select); coding-DNA position 1944, C replaced by T.
Protein change: p.Phe648=; no amino-acid change (phenylalanine 648 retained).
Molecular consequence: synonymous variant.
Genome position (GRCh38, 1-based): chr19:10,154,368, G>A on the plus strand (C>T on the coding strand, the complement: DNMT1 is on the minus strand). VCF-style: chr19-10154368-G-A. GRCh37 (hg19) VCF-style: chr19-10265044-G-A.
Other names: p.Phe648=; c.1944C>T (LRG_362t1); c.1896C>T, p.Phe632= (NM_001318730.2, NM_001379.4); c.1581C>T, p.Phe527= (NM_001318731.2).
Identifiers: ClinVar variation 327907 (VCV000327907.33), dbSNP rs61750052, ClinGen allele CA9188165.